The following is an entry in ClinVar:

ClinVar aggregate classification (germline): Uncertain significance. Review status: criteria provided, multiple submitters, no conflicts (2 of 4 stars). 4 submissions from 4 submitters: Uncertain significance (2). 2 of the submissions do not count toward it. Last evaluated 2025-07-31.

Conditions:
BLM-related disorder. Also called: BLM-related condition.
Hereditary cancer-predisposing syndrome. Also called: Hereditary neoplastic syndrome; Neoplastic Syndromes, Hereditary; Tumor predisposition; Hereditary Cancer Syndrome. Identifiers: Orphanet 140162, MedGen C0027672, MeSH D009386, MONDO:0015356.
Bloom syndrome (BLM). Also called: Bloom-Torre-Machacek syndrome. Identifiers: Orphanet 125, MedGen C0005859, MONDO:0008876, OMIM 210900.

gnomAD v4.1: 1 of 1,613,486 alleles (0.000062%); highest among the groups gnomAD compares: Non-Finnish European, 0.000085%; no homozygotes.

Submissions (4):

Labcorp Genetics (formerly Invitae), Labcorp
Classification: Uncertain significance for Bloom syndrome. Last evaluated: 2025-07-31. Review status: criteria provided, single submitter. Criteria: Invitae Variant Classification Sherloc (09022015). Collection method: clinical testing. Allele origin: germline.
Comment: This sequence change replaces alanine, which is neutral and non-polar, with valine, which is neutral and non-polar, at codon 1124 of the BLM protein (p.Ala1124Val). This variant is present in population databases (rs751765688, gnomAD 0.0009%). This variant has not been reported in the literature in individuals affected with BLM-related conditions. ClinVar contains an entry for this variant (Variation ID: 948949). Invitae Evidence Modeling of protein sequence and biophysical properties (such as structural, functional, and spatial information, amino acid conservation, physicochemical variation, residue mobility, and thermodynamic stability) indicates that this missense variant is expected to disrupt BLM protein function with a positive predictive value of 80%. In summary, the available evidence is currently insufficient to determine the role of this variant in disease. Therefore, it has been classified as a Variant of Uncertain Significance.

Ambry Genetics
Classification: Uncertain significance for Hereditary cancer-predisposing syndrome. Last evaluated: 2022-12-16. Review status: criteria provided, single submitter. Criteria: Ambry Variant Classification Scheme 2023. Collection method: clinical testing. Allele origin: germline.
Comment: The p.A1124V variant (also known as c.3371C>T), located in coding exon 17 of the BLM gene, results from a C to T substitution at nucleotide position 3371. The alanine at codon 1124 is replaced by valine, an amino acid with similar properties. This amino acid position is highly conserved in available vertebrate species. In addition, the in silico prediction for this alteration is inconclusive. Since supporting evidence is limited at this time, the clinical significance of this alteration remains unclear.

PreventionGenetics, part of Exact Sciences
Classification: Uncertain significance for BLM-related condition. Last evaluated: 2024-01-19. Review status: no assertion criteria provided. Collection method: clinical testing. Allele origin: germline. Not counted in ClinVar's aggregate classification.
Comment: The BLM c.3371C>T variant is predicted to result in the amino acid substitution p.Ala1124Val. To our knowledge, this variant has not been reported in the literature. This variant is reported in 0.00088% of alleles in individuals of European (Non-Finnish) descent in gnomAD. At this time, the clinical significance of this variant is uncertain due to the absence of conclusive functional and genetic evidence.

Natera, Inc.
Classification: Uncertain significance for Bloom syndrome. Last evaluated: 2020-03-13. Review status: no assertion criteria provided. Collection method: clinical testing. Allele origin: germline. Not counted in ClinVar's aggregate classification.

NM_000057.4(BLM):c.3371C>T (p.Ala1124Val)

Gene: BLM (BLM RecQ like helicase; plus strand). Cytogenetic location: 15q26.1.
Variant type: single nucleotide variant.
Coding change: c.3371C>T on transcript NM_000057.4 (MANE Select); coding-DNA position 3371, C replaced by T.
Protein change: p.Ala1124Val; replaces alanine 1124 with valine.
Molecular consequence: missense variant. On other transcripts: intron variant (1).
Genome position (GRCh38, 1-based): chr15:90,803,533, C>T. VCF-style: chr15-90803533-C-T. GRCh37 (hg19) VCF-style: chr15-91346763-C-T.
Other names: c.3371C>T (NM_000057.2); c.3371C>T, p.Ala1124Val (NM_001287246.2); c.2246C>T, p.Ala749Val (NM_001287248.2); c.3358+5196C>T (NM_001287247.2); short protein forms A1124V, A749V.
Identifiers: ClinVar variation 948949 (VCV000948949.13), dbSNP rs751765688, ClinGen allele CA7739022.